The following is an entry in ClinVar:

NM_001374736.1(DST):c.2830A>G (p.Asn944Asp)

Gene: DST (dystonin; minus strand). Cytogenetic location: 6p12.1.
Variant type: single nucleotide variant.
Coding change: c.2830A>G on transcript NM_001374736.1 (MANE Select); coding-DNA position 2830, A replaced by G.
Protein change: p.Asn944Asp; replaces asparagine 944 with aspartic acid.
Molecular consequence: missense variant.
Genome position (GRCh38, 1-based): chr6:56,639,479, T>C on the plus strand (A>G on the coding strand, the complement: DST is on the minus strand). VCF-style: chr6-56639479-T-C. GRCh37 (hg19) VCF-style: chr6-56504277-T-C.
Other names: c.2731A>G, p.Asn911Asp (NM_001144769.5); c.2317A>G, p.Asn773Asp (NM_001144770.2); c.2830A>G, p.Asn944Asp (NM_001374722.1); c.2197A>G, p.Asn733Asp (NM_001374729.1, NM_001374730.1, NM_001386100.1 and 1 more transcripts); c.2857A>G, p.Asn953Asp (NM_001374734.1); c.1219A>G, p.Asn407Asp (NM_001723.7, NM_015548.5); short protein forms N773D, N911D, N944D, N407D, N733D, N953D.
Identifiers: ClinVar variation 842624 (VCV000842624.12), dbSNP rs2098864084, ClinGen allele CA364577390.

ClinVar aggregate classification (germline): Uncertain significance (1 of 4 stars; one submission).

Conditions:
Epidermolysis bullosa simplex 3, localized or generalized intermediate, with BP230 deficiency (EBS3). Also called: Epidermolysis bullosa simplex due to BP230 deficiency; Epidermolysis bullosa simplex, autosomal recessive 2. Identifiers: Orphanet 412181, MedGen C3809470, MONDO:0014180, OMIM 615425.
Hereditary sensory and autonomic neuropathy type 6. Also called: HSAN VI; Neuropathy, hereditary sensory and autonomic, type VI. Identifiers: Orphanet 314381, MedGen C3539003, MONDO:0013839, OMIM 614653.

Submission:

Labcorp Genetics (formerly Invitae), Labcorp
Classification: Uncertain significance for Epidermolysis bullosa simplex 3, localized or generalized intermediate, with BP230 deficiency; Hereditary sensory and autonomic neuropathy type 6. Last evaluated: 2019-12-29. Review status: criteria provided, single submitter. Criteria: Invitae Variant Classification Sherloc (09022015). Collection method: clinical testing. Allele origin: germline.
Comment: This variant has not been reported in the literature in individuals with DST-related conditions. In summary, the available evidence is currently insufficient to determine the role of this variant in disease. Therefore, it has been classified as a Variant of Uncertain Significance. Algorithms developed to predict the effect of missense changes on protein structure and function (SIFT, PolyPhen-2, Align-GVGD) all suggest that this variant is likely to be tolerated, but these predictions have not been confirmed by published functional studies and their clinical significance is uncertain. This variant is not present in population databases (ExAC no frequency). This sequence change replaces asparagine with aspartic acid at codon 407 of the DST protein (p.Asn407Asp). The asparagine residue is moderately conserved and there is a small physicochemical difference between asparagine and aspartic acid.